The following is an entry in ClinVar:

NM_177438.3(DICER1):c.2745A>G (p.Thr915=)

Gene: DICER1 (dicer 1, ribonuclease III; minus strand). Cytogenetic location: 14q32.13.
Variant type: single nucleotide variant.
Coding change: c.2745A>G on transcript NM_177438.3 (MANE Select); coding-DNA position 2745, A replaced by G.
Protein change: p.Thr915=; no amino-acid change (threonine 915 retained).
Molecular consequence: synonymous variant.
Genome position (GRCh38, 1-based): chr14:95,107,667, T>C on the plus strand (A>G on the coding strand, the complement: DICER1 is on the minus strand). VCF-style: chr14-95107667-T-C. GRCh37 (hg19) VCF-style: chr14-95574004-T-C.
Other names: c.2745A>G, p.Thr915= (NM_001195573.1, NM_001271282.3, NM_001291628.2 and 1 more transcripts).
Identifiers: ClinVar variation 727472 (VCV000727472.11), dbSNP rs1595378980, ClinGen allele CA487628327.

ClinVar aggregate classification (germline): Benign/Likely benign. Review status: criteria provided, multiple submitters, no conflicts (2 of 4 stars). 3 submissions from 3 submitters: Benign (1); Likely benign (2). Last evaluated 2026-08-18.

Conditions:
Hereditary cancer-predisposing syndrome. Also called: Hereditary neoplastic syndrome; Neoplastic Syndromes, Hereditary; Tumor predisposition; Hereditary Cancer Syndrome. Identifiers: Orphanet 140162, MedGen C0027672, MeSH D009386, MONDO:0015356.
DICER1-related tumor predisposition. Also called: DICER1 syndrome; DICER1-related pleuropulmonary blastoma cancer predisposition syndrome. Identifiers: Orphanet 284343, MedGen C3839822, MONDO:0100216.

Allele frequency attached by ClinVar (database versions not stated): gnomAD exomes below 0.00001.
gnomAD v4.1: 2 of 1,613,586 alleles (0.00012%); highest among the groups gnomAD compares: Middle Eastern, 0.016%; no homozygotes.

Submissions (3):

Myriad Genetics, Inc.
Classification: Benign for DICER1-related tumor predisposition. Last evaluated: 2026-08-18. Review status: criteria provided, single submitter. Criteria: Myriad Autosomal Dominant, Autosomal Recessive and X-Linked Classification Criteria (2023). Collection method: clinical testing. Allele origin: unknown.
Comment: This variant is considered benign. This variant is a silent/synonymous amino acid change and it is not expected to impact splicing.

Ambry Genetics
Classification: Likely benign for Hereditary cancer-predisposing syndrome. Last evaluated: 2026-04-30. Review status: criteria provided, single submitter. Criteria: Ambry Variant Classification Scheme 2023. Collection method: clinical testing. Allele origin: germline.

Labcorp Genetics (formerly Invitae), Labcorp
Classification: Likely benign for DICER1-related tumor predisposition. Last evaluated: 2025-09-15. Review status: criteria provided, single submitter. Criteria: Invitae Variant Classification Sherloc (09022015). Collection method: clinical testing. Allele origin: germline.